The following is an entry in ClinVar:

NM_004655.4(AXIN2):c.1474G>C (p.Ala492Pro)

Gene: AXIN2 (axin 2; minus strand). Cytogenetic location: 17q24.1.
Variant type: single nucleotide variant.
Coding change: c.1474G>C on transcript NM_004655.4 (MANE Select); coding-DNA position 1474, G replaced by C.
Protein change: p.Ala492Pro; replaces alanine 492 with proline.
Molecular consequence: missense variant.
Genome position (GRCh38, 1-based): chr17:65,537,562, C>G on the plus strand (G>C on the coding strand, the complement: AXIN2 is on the minus strand). VCF-style: chr17-65537562-C-G. GRCh37 (hg19) VCF-style: chr17-63533680-C-G.
Other names: c.1474G>C (LRG_296t1); c.1474G>C, p.Ala492Pro (NM_001363813.1); short protein forms A492P.
Identifiers: ClinVar variation 533236 (VCV000533236.13), dbSNP rs1555577797, ClinGen allele CA400677431.

ClinVar aggregate classification (germline): Uncertain significance. Review status: criteria provided, multiple submitters, no conflicts (2 of 4 stars). 3 submissions from 3 submitters: Uncertain significance (3). Last evaluated 2025-03-28.

Conditions:
Hereditary cancer-predisposing syndrome. Also called: Hereditary neoplastic syndrome; Neoplastic Syndromes, Hereditary; Tumor predisposition; Hereditary Cancer Syndrome. Identifiers: Orphanet 140162, MedGen C0027672, MeSH D009386, MONDO:0015356.
Oligodontia-cancer predisposition syndrome. Also called: TOOTH AGENESIS-COLORECTAL CANCER SYNDROME. Identifiers: Orphanet 300576, MedGen C1837750, MONDO:0012075, OMIM 608615. Disease mechanism: loss of function.

Submissions (3):

Ambry Genetics
Classification: Uncertain significance for Hereditary cancer-predisposing syndrome. Last evaluated: 2025-03-28. Review status: criteria provided, single submitter. Criteria: Ambry Variant Classification Scheme 2023. Collection method: clinical testing. Allele origin: germline.
Comment: The p.A492P variant (also known as c.1474G>C), located in coding exon 5 of the AXIN2 gene, results from a G to C substitution at nucleotide position 1474. The alanine at codon 492 is replaced by proline, an amino acid with highly similar properties. This amino acid position is conserved. In addition, this alteration is predicted to be tolerated by in silico analysis. Since supporting evidence is limited at this time, the clinical significance of this alteration remains unclear.

Labcorp Genetics (formerly Invitae), Labcorp
Classification: Uncertain significance for Oligodontia-cancer predisposition syndrome. Last evaluated: 2024-03-16. Review status: criteria provided, single submitter. Criteria: Invitae Variant Classification Sherloc (09022015). Collection method: clinical testing. Allele origin: germline.
Comment: This sequence change replaces alanine, which is neutral and non-polar, with proline, which is neutral and non-polar, at codon 492 of the AXIN2 protein (p.Ala492Pro). This variant is not present in population databases (gnomAD no frequency). This variant has not been reported in the literature in individuals affected with AXIN2-related conditions. ClinVar contains an entry for this variant (Variation ID: 533236). Algorithms developed to predict the effect of missense changes on protein structure and function output the following: SIFT: "Not Available"; PolyPhen-2: "Benign"; Align-GVGD: "Not Available". The proline amino acid residue is found in multiple mammalian species, which suggests that this missense change does not adversely affect protein function. In summary, the available evidence is currently insufficient to determine the role of this variant in disease. Therefore, it has been classified as a Variant of Uncertain Significance.

GeneDx
Classification: Uncertain significance. Last evaluated: 2019-10-25. Review status: criteria provided, single submitter. Criteria: GeneDx Variant Classification Process June 2021. Collection method: clinical testing. Allele origin: germline. Affected: yes.
Comment: Not observed in large population cohorts (Lek 2016); In silico analysis, which includes protein predictors and evolutionary conservation, supports that this variant does not alter protein structure/function; Has not been previously published as pathogenic or benign to our knowledge